The following is an entry in ClinVar:

ClinVar aggregate classification (germline): Pathogenic. Review status: criteria provided, multiple submitters, no conflicts (2 of 4 stars). 2 submissions from 2 submitters: Pathogenic (2). Last evaluated 2026-09-17.

Conditions:
RASopathy. Also called: Noonan spectrum disorder; rasopathies. Identifiers: Orphanet 536391, MedGen C5555857, MONDO:0021060.

Submissions (2):

GeneDx
Classification: Pathogenic. Last evaluated: 2026-09-17. Review status: criteria provided, single submitter. Criteria: GeneDx Variant Classification Process June 2021. Collection method: clinical testing. Allele origin: germline.
Comment: Not observed at significant frequency in large population cohorts (gnomAD); In silico analysis suggests that this missense variant does not alter protein structure/function; This variant is associated with the following publications: (PMID: 36175670, 35831509, 25137548, 38881369, 29493581, 41519889, 40090919)

Labcorp Genetics (formerly Invitae), Labcorp
Classification: Pathogenic for RASopathy. Last evaluated: 2023-03-29. Review status: criteria provided, single submitter. Criteria: Invitae Variant Classification Sherloc (09022015). Collection method: clinical testing. Allele origin: germline.
Comment: For these reasons, this variant has been classified as Pathogenic. This variant disrupts the p.Met173 amino acid residue in SHOC2. Other variant(s) that disrupt this residue have been determined to be pathogenic (PMID: 22670144). This suggests that this residue is clinically significant, and that variants that disrupt this residue are likely to be disease-causing. Experimental studies are conflicting or provide insufficient evidence to determine the effect of this variant on SHOC2 function (PMID: 25137548, 30348783). Advanced modeling of protein sequence and biophysical properties (such as structural, functional, and spatial information, amino acid conservation, physicochemical variation, residue mobility, and thermodynamic stability) performed at Invitae indicates that this missense variant is not expected to disrupt SHOC2 protein function. This missense change has been observed in individual(s) with SHOC2-related conditions (PMID: 25137548; Invitae). In at least one individual the variant was observed to be de novo. This variant is not present in population databases (gnomAD no frequency). This sequence change replaces methionine, which is neutral and non-polar, with isoleucine, which is neutral and non-polar, at codon 173 of the SHOC2 protein (p.Met173Ile).

Literature cited by the submitters: PubMed 22670144 (cited by Labcorp Genetics (formerly Invitae), Labcorp); PubMed 25137548 (cited by Labcorp Genetics (formerly Invitae), Labcorp); PubMed 30348783 (cited by Labcorp Genetics (formerly Invitae), Labcorp).

NM_007373.4(SHOC2):c.519G>C (p.Met173Ile)

Gene: SHOC2 (SHOC2 leucine rich repeat scaffold protein; plus strand). Cytogenetic location: 10q25.2.
Variant type: single nucleotide variant.
Coding change: c.519G>C on transcript NM_007373.4 (MANE Select); coding-DNA position 519, G replaced by C.
Protein change: p.Met173Ile; replaces methionine 173 with isoleucine.
Molecular consequence: missense variant.
Genome position (GRCh38, 1-based): chr10:110,964,877, G>C. VCF-style: chr10-110964877-G-C. GRCh37 (hg19) VCF-style: chr10-112724635-G-C.
Other names: c.519G>C, p.Met173Ile (NM_001269039.3, NM_001324336.2, NM_001324337.2); short protein forms M173I.
Identifiers: ClinVar variation 2850800 (VCV002850800.4), dbSNP rs730881020, ClinGen allele CA378385809.